The following is an entry in ClinVar:

ClinVar aggregate classification (germline): Uncertain significance (1 of 4 stars; one submission).

Conditions:
ABCB11-related disorder. Also called: ABCB11-related condition.

gnomAD v4.1: 3 of 1,612,780 alleles (0.00019%); highest among the groups gnomAD compares: African/African-American, 0.004%; no homozygotes.

Submission:

PreventionGenetics, part of Exact Sciences
Classification: Uncertain significance for ABCB11-related condition. Last evaluated: 2025-09-16. Review status: criteria provided, single submitter. Criteria: ACMG Guidelines, 2015. Collection method: clinical testing. Allele origin: germline.
Comment: The ABCB11 c.3057-3C>T variant is predicted to interfere with splicing. This variant is predicted to alter splicing based on available splicing prediction programs (SpliceAI, Jaganathan et al. 2019. PubMed ID: 30661751). However, the use of computer prediction programs is not equivalent to functional evidence. To our knowledge, this variant has not been reported in the literature. This variant is reported in 0.013% of alleles in individuals of African descent in gnomAD. At this time, the clinical significance of this variant is uncertain due to the absence of conclusive functional and genetic evidence.

NM_003742.4(ABCB11):c.3057-3C>T

Gene: ABCB11 (ATP binding cassette subfamily B member 11; minus strand). Cytogenetic location: 2q31.1.
Variant type: single nucleotide variant.
Coding change: c.3057-3C>T on transcript NM_003742.4 (MANE Select); 3 bases into the intron before coding-DNA position 3057, C replaced by T.
Molecular consequence: intron variant.
Genome position (GRCh38, 1-based): chr2:168,932,536, G>A on the plus strand (C>T on the coding strand, the complement: ABCB11 is on the minus strand). VCF-style: chr2-168932536-G-A. GRCh37 (hg19) VCF-style: chr2-169789046-G-A.
Identifiers: ClinVar variation 4979939 (VCV004979939.1).
Genomic context (GRCh38, chr2:168,932,536, plus strand): 5'-GGTGTAAGAGAAGGCTCTTCCAAGAGCTGTTGCACTCAGTACAACTGCAGAGATCACCCT[G>A]TAACCAGACAGACACACAGGAAGAGAGCAGGGTGGCGTGGTTGGTGTGATGACCTGAAGG-3'